The following is an entry in ClinVar:

ClinVar aggregate classification (germline): Uncertain significance (1 of 4 stars; one submission).

Submission:

CeGaT Center for Human Genetics Tuebingen
Classification: Uncertain significance. Last evaluated: 2023-08-01. Review status: criteria provided, single submitter. Criteria: CeGaT Center For Human Genetics Tuebingen Variant Classification Criteria Version 2. Collection method: clinical testing. Allele origin: germline. Affected: yes. Observed: 1 variant allele.
Comment: COL7A1: PM2

NM_000094.4(COL7A1):c.1114G>A (p.Glu372Lys)

Gene: COL7A1 (collagen type VII alpha 1 chain; minus strand). Cytogenetic location: 3p21.31.
Variant type: single nucleotide variant.
Coding change: c.1114G>A on transcript NM_000094.4 (MANE Select); coding-DNA position 1114, G replaced by A.
Protein change: p.Glu372Lys; replaces glutamic acid 372 with lysine.
Molecular consequence: missense variant.
Genome position (GRCh38, 1-based): chr3:48,592,228, C>T on the plus strand (G>A on the coding strand, the complement: COL7A1 is on the minus strand). VCF-style: chr3-48592228-C-T. GRCh37 (hg19) VCF-style: chr3-48629661-C-T.
Other names: short protein forms E372K.
Identifiers: ClinVar variation 2653795 (VCV002653795.24), dbSNP rs2531323611, ClinGen allele CA352738172.